The following is an entry in ClinVar:

ClinVar aggregate classification (germline): Uncertain significance (1 of 4 stars; one submission).

Allele frequency attached by ClinVar (database versions not stated): gnomAD exomes below 0.00001.
gnomAD v4.1: 1 of 1,614,064 alleles (0.000062%); highest among the groups gnomAD compares: Non-Finnish European, 0.000085%; no homozygotes.

Submission:

Labcorp Genetics (formerly Invitae), Labcorp
Classification: Uncertain significance. Last evaluated: 2023-12-11. Review status: criteria provided, single submitter. Criteria: Invitae Variant Classification Sherloc (09022015). Collection method: clinical testing. Allele origin: germline.
Comment: This sequence change replaces proline, which is neutral and non-polar, with leucine, which is neutral and non-polar, at codon 574 of the KMT2A protein (p.Pro574Leu). This variant is not present in population databases (gnomAD no frequency). This variant has not been reported in the literature in individuals affected with KMT2A-related conditions. Advanced modeling of protein sequence and biophysical properties (such as structural, functional, and spatial information, amino acid conservation, physicochemical variation, residue mobility, and thermodynamic stability) has been performed at Invitae for this missense variant, however the output from this modeling did not meet the statistical confidence thresholds required to predict the impact of this variant on KMT2A protein function. In summary, the available evidence is currently insufficient to determine the role of this variant in disease. Therefore, it has been classified as a Variant of Uncertain Significance.

NM_001197104.2(KMT2A):c.1721C>T (p.Pro574Leu)

Gene: KMT2A (lysine methyltransferase 2A; plus strand). Cytogenetic location: 11q23.3.
Variant type: single nucleotide variant.
Coding change: c.1721C>T on transcript NM_001197104.2 (MANE Select); coding-DNA position 1721, C replaced by T.
Protein change: p.Pro574Leu; replaces proline 574 with leucine.
Molecular consequence: missense variant.
Genome position (GRCh38, 1-based): chr11:118,472,880, C>T. VCF-style: chr11-118472880-C-T. GRCh37 (hg19) VCF-style: chr11-118343595-C-T.
Other names: c.1820C>T, p.Pro607Leu (NM_001412597.1); c.1721C>T, p.Pro574Leu (NM_005933.4); short protein forms P607L, P574L.
Identifiers: ClinVar variation 2702188 (VCV002702188.3), dbSNP rs2134263912, ClinGen allele CA382810804.